The following is an entry in ClinVar:

ClinVar aggregate classification (germline): Uncertain significance (1 of 4 stars; one submission).

Conditions:
Townes-Brocks syndrome 1 (TBS1). Also called: DEAFNESS, SENSORINEURAL, WITH IMPERFORATE ANUS AND THUMB ANOMALIES; REAR SYNDROME; RENAL-EAR-ANAL-RADIAL SYNDROME; SALL1-Related Townes-Brocks Syndrome. Identifiers: Orphanet 857, MedGen C4551481, MONDO:0054581, OMIM 107480.

Submission:

Clinical Genomics Laboratory, Washington University in St. Louis
Classification: Uncertain significance for Townes-Brocks syndrome 1. Last evaluated: 2024-02-09. Review status: criteria provided, single submitter. Criteria: ACMG Guidelines, 2015. Collection method: clinical testing. Allele origin: germline.
Comment: The SALL1 c.731_737delinsAGAA (p.Leu244_Leu246delinsGlnLys) variant, to our knowledge, has not been reported in the medical literature and is absent from the general population (gnomAD v.2.1.1), indicating it is not a common variant. This variant is predicted to cause a change in the length of the protein due to an in-frame deletion of one amino acid in a non-repeat region and a missense change of two other amino acids. Due to limited information, and based on ACMG/AMP guidelines for variant interpretation (Richards S et al., PMID: 25741868), the clinical significance of this variant is uncertain at this time.

NM_002968.3(SALL1):c.731_737delinsAGAA (p.Leu244_Leu246delinsGlnLys)

Gene: SALL1 (spalt like transcription factor 1; minus strand). Cytogenetic location: 16q12.1.
Variant type: Indel.
Coding change: c.731_737delinsAGAA on transcript NM_002968.3 (MANE Select); coding-DNA positions 731 to 737, TGCAATT replaced by AGAA.
Protein change: p.Leu244_Leu246delinsGlnLys.
Molecular consequence: inframe indel.
Genome position (GRCh38, 1-based): chr16:51,141,485-51,141,491, AATTGCA replaced by TTCT on the plus strand (TGCAATT replaced by AGAA on the coding strand, the reverse complement: SALL1 is on the minus strand). VCF-style: chr16-51141485-AATTGCA-TTCT. GRCh37 (hg19) VCF-style: chr16-51175396-AATTGCA-TTCT.
Other names: c.440_446delinsAGAA, p.Leu147_Leu149delinsGlnLys (NM_001127892.2).
Identifiers: ClinVar variation 3236579 (VCV003236579.1), dbSNP rs2506495510, ClinGen allele CA2825002440.